The following is an entry in ClinVar:

ClinVar aggregate classification (germline): Uncertain significance (1 of 4 stars; one submission).

gnomAD v4.1: 2 of 1,614,102 alleles (0.00012%); highest among the groups gnomAD compares: Non-Finnish European, 0.00017%; no homozygotes.

Submission:

Ambry Genetics
Classification: Uncertain significance. Last evaluated: 2025-03-29. Review status: criteria provided, single submitter. Criteria: Ambry Variant Classification Scheme 2023. Collection method: clinical testing. Allele origin: germline.
Comment: The p.S383N variant (also known as c.1148G>A), located in coding exon 2 of the CDK12 gene, results from a G to A substitution at nucleotide position 1148. The serine at codon 383 is replaced by asparagine, an amino acid with highly similar properties. This amino acid position is conserved. In addition, this alteration is predicted to be tolerated by in silico analysis. Based on the available evidence, the clinical significance of this variant remains unclear.

NM_016507.4(CDK12):c.1148G>A (p.Ser383Asn)

Gene: CDK12 (cyclin dependent kinase 12; plus strand). Cytogenetic location: 17q12.
Variant type: single nucleotide variant.
Coding change: c.1148G>A on transcript NM_016507.4 (MANE Select); coding-DNA position 1148, G replaced by A.
Protein change: p.Ser383Asn; replaces serine 383 with asparagine.
Molecular consequence: missense variant.
Genome position (GRCh38, 1-based): chr17:39,470,980, G>A. VCF-style: chr17-39470980-G-A. GRCh37 (hg19) VCF-style: chr17-37627233-G-A.
Other names: c.1148G>A, p.Ser383Asn (NM_015083.4); short protein forms S383N.
Identifiers: ClinVar variation 3999291 (VCV003999291.1).
Genomic context (GRCh38, chr17:39,470,980, plus strand): 5'-CAAGACATTCATCTTCTCATAGTAAAAAGAAGAGATCCAGTTCACGCAGTCGTCATTCCA[G>A]TATCTCACCTGTCAGGCTTCCACTTAATTCCAGTCTGGGAGCTGAACTCAGTAGGAAAAA-3'
Protein context (NP_057591.2, residues 373-393): KRSSSRSRHS[Ser383Asn]ISPVRLPLNS